The following is an entry in ClinVar:

NM_000254.3(MTR):c.1943G>A (p.Arg648His)

Gene: MTR (5-methyltetrahydrofolate-homocysteine methyltransferase; plus strand). Cytogenetic location: 1q43.
Variant type: single nucleotide variant.
Coding change: c.1943G>A on transcript NM_000254.3 (MANE Select); coding-DNA position 1943, G replaced by A.
Protein change: p.Arg648His; replaces arginine 648 with histidine.
Molecular consequence: missense variant.
Genome position (GRCh38, 1-based): chr1:236,853,078, G>A. VCF-style: chr1-236853078-G-A. GRCh37 (hg19) VCF-style: chr1-237016378-G-A.
Other names: c.1943G>A (NM_000254.2); c.1943G>A, p.Arg648His (NM_001291939.1); c.722G>A, p.Arg241His (NM_001291940.2); short protein forms R241H, R648H.
Identifiers: ClinVar variation 1380450 (VCV001380450.4), dbSNP rs751565093, ClinGen allele CA1474208.

ClinVar aggregate classification (germline): Uncertain significance. Review status: criteria provided, multiple submitters, no conflicts (2 of 4 stars). 2 submissions from 2 submitters: Uncertain significance (2). Last evaluated 2024-03-11.

Conditions:
Inborn genetic diseases. Identifiers: MedGen C0950123, MeSH D030342.
Methylcobalamin deficiency type cblG (HMAG). Also called: HOMOCYSTINURIA-MEGALOBLASTIC ANEMIA, cblG COMPLEMENTATION TYPE; Functional methionine synthase deficiency type cblG; HOMOCYSTINURIA-MEGALOBLASTIC ANEMIA, cblG TYPE; HOMOCYSTINURIA-MEGALOBLASTIC ANEMIA DUE TO DEFECT IN COBALAMIN METABOLISM, cblG COMPLEMENTATION TYPE. Identifiers: Orphanet 2170, Orphanet 622, MedGen C1855128, MONDO:0009609, OMIM 250940.

Allele frequency attached by ClinVar (database versions not stated): gnomAD 0.00003; TOPMed 0.00006; ExAC 0.00007; gnomAD exomes 0.00007.
gnomAD v4.1: 90 of 1,613,838 alleles (0.0056%); highest among the groups gnomAD compares: Admixed American, 0.013%; no homozygotes.

Submissions (2):

Ambry Genetics
Classification: Uncertain significance for Inborn genetic diseases. Last evaluated: 2024-03-11. Review status: criteria provided, single submitter. Criteria: Ambry Variant Classification Scheme 2023. Collection method: clinical testing. Allele origin: germline.

Labcorp Genetics (formerly Invitae), Labcorp
Classification: Uncertain significance for Methylcobalamin deficiency type cblG. Last evaluated: 2022-07-19. Review status: criteria provided, single submitter. Criteria: Invitae Variant Classification Sherloc (09022015). Collection method: clinical testing. Allele origin: germline.
Comment: This sequence change replaces arginine, which is basic and polar, with histidine, which is basic and polar, at codon 648 of the MTR protein (p.Arg648His). This variant is present in population databases (rs751565093, gnomAD 0.03%). This variant has not been reported in the literature in individuals affected with MTR-related conditions. ClinVar contains an entry for this variant (Variation ID: 1380450). Algorithms developed to predict the effect of missense changes on protein structure and function output the following: SIFT: "Tolerated"; PolyPhen-2: "Benign"; Align-GVGD: "Class C0". The histidine amino acid residue is found in multiple mammalian species, which suggests that this missense change does not adversely affect protein function. In summary, the available evidence is currently insufficient to determine the role of this variant in disease. Therefore, it has been classified as a Variant of Uncertain Significance.